The following is an entry in ClinVar:

ClinVar aggregate classification (germline): Uncertain significance (1 of 4 stars; one submission).

Allele frequency attached by ClinVar (database versions not stated): gnomAD exomes below 0.00001; ExAC 0.00001.
gnomAD v4.1: 1 of 1,614,154 alleles (0.000062%); highest among the groups gnomAD compares: Non-Finnish European, 0.000085%; no homozygotes.

Submission:

Labcorp Genetics (formerly Invitae), Labcorp
Classification: Uncertain significance. Last evaluated: 2022-04-09. Review status: criteria provided, single submitter. Criteria: Invitae Variant Classification Sherloc (09022015). Collection method: clinical testing. Allele origin: germline.
Comment: This sequence change replaces methionine, which is neutral and non-polar, with valine, which is neutral and non-polar, at codon 322 of the ADAMTS18 protein (p.Met322Val). This variant is present in population databases (rs764149360, gnomAD 0.0009%). This variant has not been reported in the literature in individuals affected with ADAMTS18-related conditions. ClinVar contains an entry for this variant (Variation ID: 1016553). Algorithms developed to predict the effect of missense changes on protein structure and function are either unavailable or do not agree on the potential impact of this missense change (SIFT: "Not Available"; PolyPhen-2: "Possibly Damaging"; Align-GVGD: "Not Available"). In summary, the available evidence is currently insufficient to determine the role of this variant in disease. Therefore, it has been classified as a Variant of Uncertain Significance.

NM_199355.4(ADAMTS18):c.964A>G (p.Met322Val)

Gene: ADAMTS18 (ADAM metallopeptidase with thrombospondin type 1 motif 18; minus strand). Cytogenetic location: 16q23.1.
Variant type: single nucleotide variant.
Coding change: c.964A>G on transcript NM_199355.4 (MANE Select); coding-DNA position 964, A replaced by G.
Protein change: p.Met322Val; replaces methionine 322 with valine.
Molecular consequence: missense variant.
Genome position (GRCh38, 1-based): chr16:77,364,196, T>C on the plus strand (A>G on the coding strand, the complement: ADAMTS18 is on the minus strand). VCF-style: chr16-77364196-T-C. GRCh37 (hg19) VCF-style: chr16-77398093-T-C.
Other names: c.448A>G, p.Met150Val (NM_001326358.2); short protein forms M150V, M322V.
Identifiers: ClinVar variation 1016553 (VCV001016553.8), dbSNP rs764149360, ClinGen allele CA8181505.